The following is an entry in ClinVar:

NM_006231.4(POLE):c.4168C>G (p.Arg1390Gly)

Gene: POLE (DNA polymerase epsilon, catalytic subunit; minus strand). Cytogenetic location: 12q24.33.
Variant type: single nucleotide variant.
Coding change: c.4168C>G on transcript NM_006231.4 (MANE Select); coding-DNA position 4168, C replaced by G.
Protein change: p.Arg1390Gly; replaces arginine 1390 with glycine.
Molecular consequence: missense variant.
Genome position (GRCh38, 1-based): chr12:132,643,959, G>C on the plus strand (C>G on the coding strand, the complement: POLE is on the minus strand). VCF-style: chr12-132643959-G-C. GRCh37 (hg19) VCF-style: chr12-133220545-G-C.
Other names: short protein forms R1390G.
Identifiers: ClinVar variation 4141182 (VCV004141182.1).

ClinVar aggregate classification (germline): Uncertain significance (1 of 4 stars; one submission).

Conditions:
Hereditary cancer-predisposing syndrome. Also called: Hereditary neoplastic syndrome; Neoplastic Syndromes, Hereditary; Tumor predisposition; Hereditary Cancer Syndrome. Identifiers: Orphanet 140162, MedGen C0027672, MeSH D009386, MONDO:0015356.

Submission:

Ambry Genetics
Classification: Uncertain significance for Hereditary cancer-predisposing syndrome. Last evaluated: 2025-07-28. Review status: criteria provided, single submitter. Criteria: Ambry Variant Classification Scheme 2023. Collection method: clinical testing. Allele origin: germline.
Comment: The p.R1390G variant (also known as c.4168C>G), located in coding exon 33 of the POLE gene, results from a C to G substitution at nucleotide position 4168. The arginine at codon 1390 is replaced by glycine, an amino acid with dissimilar properties. This amino acid position is highly conserved in available vertebrate species. In addition, the in silico prediction for this alteration is inconclusive. Based on the available evidence, the clinical significance of this variant remains unclear.